The following is an entry in ClinVar:

ClinVar aggregate classification (germline): Uncertain significance (1 of 4 stars; one submission).

Conditions:
Citrin deficiency. Identifiers: Orphanet 247582, MedGen C1997910, MONDO:0016602.

Submission:

Labcorp Genetics (formerly Invitae), Labcorp
Classification: Uncertain significance for Citrin deficiency. Last evaluated: 2023-05-22. Review status: criteria provided, single submitter. Criteria: Invitae Variant Classification Sherloc (09022015). Collection method: clinical testing. Allele origin: germline.
Comment: In summary, the available evidence is currently insufficient to determine the role of this variant in disease. Therefore, it has been classified as a Variant of Uncertain Significance. Advanced modeling of protein sequence and biophysical properties (such as structural, functional, and spatial information, amino acid conservation, physicochemical variation, residue mobility, and thermodynamic stability) performed at Invitae indicates that this missense variant is expected to disrupt SLC25A13 protein function. ClinVar contains an entry for this variant (Variation ID: 1389712). This variant has not been reported in the literature in individuals affected with SLC25A13-related conditions. This variant is not present in population databases (gnomAD no frequency). This sequence change replaces glycine, which is neutral and non-polar, with glutamic acid, which is acidic and polar, at codon 478 of the SLC25A13 protein (p.Gly478Glu).

NM_014251.3(SLC25A13):c.1433G>A (p.Gly478Glu)

Gene: SLC25A13 (solute carrier family 25 member 13; minus strand). Cytogenetic location: 7q21.3.
Variant type: single nucleotide variant.
Coding change: c.1433G>A on transcript NM_014251.3 (MANE Select); coding-DNA position 1433, G replaced by A.
Protein change: p.Gly478Glu; replaces glycine 478 with glutamic acid.
Molecular consequence: missense variant. On other transcripts: non-coding transcript variant (1).
Genome position (GRCh38, 1-based): chr7:96,146,575, C>T on the plus strand (G>A on the coding strand, the complement: SLC25A13 is on the minus strand). VCF-style: chr7-96146575-C-T. GRCh37 (hg19) VCF-style: chr7-95775887-C-T.
Other names: c.1436G>A, p.Gly479Glu (NM_001160210.2); short protein forms G479E, G478E.
Identifiers: ClinVar variation 1389712 (VCV001389712.6), dbSNP rs1792802405, ClinGen allele CA368255948.
Genomic context (GRCh38, chr7:96,146,575, plus strand): 5'-GAAAGTAATCAAATAAATGACTAAAAAAAAAAAAAAGTTACCTTGTAGATCCCAAAAAAC[C>T]CCAGGTCCCGCACGACAGACAGAGCACTGACTCGAGGACCAGTGGTGATTTCTCCTGCCA-3'
Protein context (NP_055066.1, residues 468-488): VSALSVVRDL[Gly478Glu]FFGIYKGAKA